The following is an entry in ClinVar:

ClinVar aggregate classification (germline): Pathogenic (1 of 4 stars; one submission).

Conditions:
BAP1-related tumor predisposition syndrome (TPDS1). Also called: Tumor susceptibility linked to germline BAP1 mutations; BAP1 tumor predisposition syndrome; COMMON Syndrome; TUMOR PREDISPOSITION SYNDROME 1. Identifiers: Orphanet 289539, MedGen C3280492, MONDO:0013692, OMIM 614327.

Submission:

Labcorp Genetics (formerly Invitae), Labcorp
Classification: Pathogenic for BAP1-related tumor predisposition syndrome. Last evaluated: 2023-06-02. Review status: criteria provided, single submitter. Criteria: Invitae Variant Classification Sherloc (09022015). Collection method: clinical testing. Allele origin: germline.
Comment: This sequence change creates a premature translational stop signal (p.Ser460*) in the BAP1 gene. It is expected to result in an absent or disrupted protein product. Loss-of-function variants in BAP1 are known to be pathogenic (PMID: 21874000, 23684012). This variant has not been reported in the literature in individuals affected with BAP1-related conditions. For these reasons, this variant has been classified as Pathogenic. ClinVar contains an entry for this variant (Variation ID: 650623). This variant is not present in population databases (gnomAD no frequency).

Literature cited by the submitters: PubMed 21874000; PubMed 23684012.

NM_004656.4(BAP1):c.1379C>G (p.Ser460Ter)

Gene: BAP1 (BRCA1 associated deubiquitinase 1; minus strand). Cytogenetic location: 3p21.1.
Variant type: single nucleotide variant.
Coding change: c.1379C>G on transcript NM_004656.4 (MANE Select); coding-DNA position 1379, C replaced by G.
Protein change: p.Ser460Ter; replaces serine 460 with a stop codon.
Molecular consequence: nonsense.
Genome position (GRCh38, 1-based): chr3:52,403,766, G>C on the plus strand (C>G on the coding strand, the complement: BAP1 is on the minus strand). VCF-style: chr3-52403766-G-C. GRCh37 (hg19) VCF-style: chr3-52437782-G-C.
Other names: short protein forms S460*.
Identifiers: ClinVar variation 650623 (VCV000650623.6), dbSNP rs1553644949, ClinGen allele CA353101689.
Genomic context (GRCh38, chr3:52,403,766, plus strand): 5'-GTGGGCACTGCCACAGCCGGACTCCCAGCCCCGCTGCTAGTCTTGATGGACAGAGGAATT[G>C]AGAGGTCCTTCTGGGACTCTTTGAGCTTCTCAGCCAAGACGTTGATGGTGTTGGGCTGCA-3'